The following is an entry in ClinVar:

NM_007194.4(CHEK2):c.678T>C (p.Leu226=)

Gene: CHEK2 (checkpoint kinase 2; minus strand). Cytogenetic location: 22q12.1.
Variant type: single nucleotide variant.
Coding change: c.678T>C on transcript NM_007194.4 (MANE Select); coding-DNA position 678, T replaced by C.
Protein change: p.Leu226=; no amino-acid change (leucine 226 retained).
Molecular consequence: synonymous variant. On other transcripts: intron variant (1).
Genome position (GRCh38, 1-based): chr22:28,719,400, A>G on the plus strand (T>C on the coding strand, the complement: CHEK2 is on the minus strand). VCF-style: chr22-28719400-A-G. GRCh37 (hg19) VCF-style: chr22-29115388-A-G.
Other names: c.807T>C, p.Leu269= (NM_001005735.3, NM_001438294.1); c.15T>C, p.Leu5= (NM_001257387.3, NM_001437942.1); c.771T>C, p.Leu257= (NM_001438293.1, NM_001438295.1); c.678T>C, p.Leu226= (NM_145862.3); c.482+5486T>C (NM_001349956.3).
Identifiers: ClinVar variation 3772747 (VCV003772747.1).

ClinVar aggregate classification (germline): Benign (1 of 4 stars; one submission).

Conditions:
Familial cancer of breast. Also called: Hereditary breast cancer; BREAST CANCER, FAMILIAL; hereditary breast carcinoma. Identifiers: Orphanet 227535, MedGen C0346153, MONDO:0016419, OMIM 114480. Disease mechanism: loss of function.

Submission:

Myriad Genetics, Inc.
Classification: Benign for Familial cancer of breast. Last evaluated: 2024-10-03. Review status: criteria provided, single submitter. Criteria: Myriad Autosomal Dominant, Autosomal Recessive and X-Linked Classification Criteria (2023). Collection method: clinical testing. Allele origin: unknown.
Comment: This variant is considered benign. This variant is a silent/synonymous amino acid change and it is not expected to impact splicing.